The following is an entry in ClinVar:

ClinVar aggregate classification (germline): Likely benign (1 of 4 stars; one submission).

Allele frequency attached by ClinVar (database versions not stated): gnomAD exomes 0.00004 and 0.00025; gnomAD 0.00009 and 0.00011; ExAC 0.00019; TOPMed 0.00019; 1000 Genomes Project 30x 0.00031; 1000 Genomes Project 0.00040.
gnomAD v4.1: 74 of 1,584,920 alleles (0.0047%); highest among the groups gnomAD compares: East Asian, 0.16%; no homozygotes.

Submission:

GeneDx
Classification: Likely benign. Last evaluated: 2017-05-31. Review status: criteria provided, single submitter. Criteria: GeneDx Variant Classification (06012015). Collection method: clinical testing. Allele origin: germline. Affected: yes.
Comment: This variant is considered likely benign or benign based on one or more of the following criteria: it is a conservative change, it occurs at a poorly conserved position in the protein, it is predicted to be benign by multiple in silico algorithms, and/or has population frequency not consistent with disease.

NM_001145667.2(GLG1):c.774+5C>G

Gene: GLG1 (golgi glycoprotein 1; minus strand). Cytogenetic location: 16q23.1.
Variant type: single nucleotide variant.
Coding change: c.774+5C>G on transcript NM_001145667.2 (MANE Select); 5 bases into the intron after coding-DNA position 774, C replaced by G.
Molecular consequence: intron variant.
Genome position (GRCh38, 1-based): chr16:74,503,526, G>C on the plus strand (C>G on the coding strand, the complement: GLG1 is on the minus strand). VCF-style: chr16-74503526-G-C. GRCh37 (hg19) VCF-style: chr16-74537424-G-C.
Other names: c.741+5C>G (NM_001145666.2); c.774+5C>G (NM_012201.6).
Identifiers: ClinVar variation 509618 (VCV000509618.1), dbSNP rs538300970, ClinGen allele CA8168589.